The following is an entry in ClinVar:

NM_000041.4(APOE):c.616G>A (p.Gly206Ser)

Gene: APOE (apolipoprotein E; plus strand). Cytogenetic location: 19q13.32.
Variant type: single nucleotide variant.
Coding change: c.616G>A on transcript NM_000041.4 (MANE Select); coding-DNA position 616, G replaced by A.
Protein change: p.Gly206Ser; replaces glycine 206 with serine.
Molecular consequence: missense variant.
Genome position (GRCh38, 1-based): chr19:44,908,912, G>A. VCF-style: chr19-44908912-G-A. GRCh37 (hg19) VCF-style: chr19-45412169-G-A.
Other names: c.694G>A, p.Gly232Ser (NM_001302688.2); c.616G>A, p.Gly206Ser (NM_001302689.2, NM_001302690.2, NM_001302691.2); short protein forms G232S, G206S.
Identifiers: ClinVar variation 3886431 (VCV003886431.1).
Genomic context (GRCh38, chr19:44,908,912, plus strand): 5'-GAGGGCGCCGAGCGCGGCCTCAGCGCCATCCGCGAGCGCCTGGGGCCCCTGGTGGAACAG[G>A]GCCGCGTGCGGGCCGCCACTGTGGGCTCCCTGGCCGGCCAGCCGCTACAGGAGCGGGCCC-3'
Protein context (NP_000032.1, residues 196-216): RERLGPLVEQ[Gly206Ser]RVRAATVGSL

ClinVar aggregate classification (germline): Uncertain significance (1 of 4 stars; one submission).

Conditions:
Cardiovascular phenotype. Identifiers: MedGen CN230736.

Submission:

Ambry Genetics
Classification: Uncertain significance for Cardiovascular phenotype. Last evaluated: 2025-02-06. Review status: criteria provided, single submitter. Criteria: Ambry Variant Classification Scheme 2023. Collection method: clinical testing. Allele origin: germline.
Comment: The p.G206S variant (also known as c.616G>A), located in coding exon 3 of the APOE gene, results from a G to A substitution at nucleotide position 616. The glycine at codon 206 is replaced by serine, an amino acid with similar properties. This amino acid position is conserved. In addition, this alteration is predicted to be tolerated by in silico analysis. Based on the available evidence, the clinical significance of this variant remains unclear.